The following is an entry in ClinVar:

NM_001365999.1(SZT2):c.2671G>A (p.Val891Met)

Gene: SZT2 (SZT2 subunit of KICSTOR complex; plus strand). Cytogenetic location: 1p34.2.
Variant type: single nucleotide variant.
Coding change: c.2671G>A on transcript NM_001365999.1 (MANE Select); coding-DNA position 2671, G replaced by A.
Protein change: p.Val891Met; replaces valine 891 with methionine.
Molecular consequence: missense variant.
Genome position (GRCh38, 1-based): chr1:43,425,499, G>A. VCF-style: chr1-43425499-G-A. GRCh37 (hg19) VCF-style: chr1-43891170-G-A.
Other names: c.2671G>A, p.Val891Met (NM_015284.4); short protein forms V891M.
Identifiers: ClinVar variation 3340978 (VCV003340978.1).

ClinVar aggregate classification (germline): Uncertain significance (1 of 4 stars; one submission).

gnomAD v4.1: 15 of 1,614,202 alleles (0.00093%); highest among the groups gnomAD compares: South Asian, 0.0022%; no homozygotes.

Submission:

GeneDx
Classification: Uncertain significance. Last evaluated: 2023-12-15. Review status: criteria provided, single submitter. Criteria: GeneDx Variant Classification Process June 2021. Collection method: clinical testing. Allele origin: germline. Affected: yes.
Comment: Has not been previously published as pathogenic or benign to our knowledge; Not observed at significant frequency in large population cohorts (gnomAD); In silico analysis supports that this missense variant does not alter protein structure/function